The following is an entry in ClinVar:

NM_002098.6(GUCA1B):c.357+6T>C

Gene: GUCA1B (guanylate cyclase activator 1B; minus strand). Cytogenetic location: 6p21.1.
Variant type: single nucleotide variant.
Coding change: c.357+6T>C on transcript NM_002098.6 (MANE Select); 6 bases into the intron after coding-DNA position 357, T replaced by C.
Molecular consequence: intron variant.
Genome position (GRCh38, 1-based): chr6:42,188,576, A>G on the plus strand (T>C on the coding strand, the complement: GUCA1B is on the minus strand). VCF-style: chr6-42188576-A-G. GRCh37 (hg19) VCF-style: chr6-42156314-A-G.
Identifiers: ClinVar variation 862933 (VCV000862933.10), dbSNP rs542413410, ClinGen allele CA3805588.

ClinVar aggregate classification (germline): Likely benign. Review status: criteria provided, multiple submitters, no conflicts (2 of 4 stars). 2 submissions from 2 submitters: Likely benign (2). Last evaluated 2026-02-19.

Conditions:
GUCA1B-related condition.

Allele frequency attached by ClinVar (database versions not stated): ExAC 0.00005; gnomAD 0.00005 and 0.00006; TOPMed 0.00005; gnomAD exomes 0.00013.
gnomAD v4.1: 47 of 1,614,028 alleles (0.0029%); highest among the groups gnomAD compares: Admixed American, 0.063%; no homozygotes.

Submissions (2):

PreventionGenetics, part of Exact Sciences
Classification: Likely benign for GUCA1B-related condition. Last evaluated: 2026-02-19. Review status: criteria provided, single submitter. Criteria: ACMG Guidelines, 2015. Collection method: clinical testing. Allele origin: germline.
Comment: This variant is classified as likely benign based on ACMG/AMP sequence variant interpretation guidelines (Richards et al. 2015 PMID: 25741868, with internal and published modifications).

Labcorp Genetics (formerly Invitae), Labcorp
Classification: Likely benign. Last evaluated: 2026-01-12. Review status: criteria provided, single submitter. Criteria: Invitae Variant Classification Sherloc (09022015). Collection method: clinical testing. Allele origin: germline.